The following is an entry in ClinVar:

ClinVar aggregate classification (germline): Uncertain significance. Review status: criteria provided, multiple submitters, no conflicts (2 of 4 stars). 4 submissions from 4 submitters: Uncertain significance (4). Last evaluated 2024-02-14.

Conditions:
King Denborough syndrome (KDS). Identifiers: MedGen C1840365, MONDO:0020485, OMIM 619542.
Congenital myopathy with fiber type disproportion. Also called: Congenital fiber-type disproportion myopathy; Congenital fiber-type disproportion. Identifiers: Orphanet 2020, MedGen C0546264, MONDO:0009711. Inheritance: all.
Central core myopathy (CMYO1A). Also called: Central core disease; Myopathy, central fibrillar; CONGENITAL MYOPATHY 1A, AUTOSOMAL DOMINANT, WITH SUSCEPTIBILITY TO MALIGNANT HYPERTHERMIA. Identifiers: Orphanet 597, MedGen C5830701, MONDO:0007294, OMIM 117000.
Malignant hyperthermia, susceptibility to, 1 (MHS1). Also called: Anesthesia related hyperthermia; Malignant hyperpyrexia; Fulminating hyperpyrexia; Pharmacogenic myopathy; Malignant hyperthermia suceptibility 1; RYR1-Related Malignant Hyperthermia Susceptibility. Identifiers: Orphanet 423, MedGen C2930980, MONDO:0007783, OMIM 145600.
Congenital multicore myopathy with external ophthalmoplegia (CMYO1B). Also called: Minicore myopathy with external ophthalmoplegia; MULTICORE MYOPATHY; Congenital myopathy 1B, autosomal recessive; Minicore myopathy; MULTIMINICORE DISEASE WITH EXTERNAL OPHTHALMOPLEGIA. Identifiers: Orphanet 598, Orphanet 98905, MedGen C1850674, MONDO:0009712, OMIM 255320, HP:0003789.
RYR1-related disorder. Also called: RYR1-related condition; RYR1-related disorders. Identifiers: MedGen CN239331.

Allele frequency attached by ClinVar (database versions not stated): TOPMed below 0.00001; ExAC 0.00001; gnomAD 0.00001; gnomAD exomes 0.00003 and 0.00004.
gnomAD v4.1: 52 of 1,604,672 alleles (0.0032%); highest among the groups gnomAD compares: South Asian, 0.0044%; no homozygotes.

Submissions (4):

Labcorp Genetics (formerly Invitae), Labcorp
Classification: Uncertain significance for RYR1-related disorder. Last evaluated: 2024-02-14. Review status: criteria provided, single submitter. Criteria: Invitae Variant Classification Sherloc (09022015). Collection method: clinical testing. Allele origin: germline.
Comment: This sequence change replaces arginine, which is basic and polar, with cysteine, which is neutral and slightly polar, at codon 2398 of the RYR1 protein (p.Arg2398Cys). The frequency data for this variant in the population databases is considered unreliable, as metrics indicate poor data quality at this position in the gnomAD database. This variant has not been reported in the literature in individuals affected with RYR1-related conditions. ClinVar contains an entry for this variant (Variation ID: 478270). Advanced modeling of protein sequence and biophysical properties (such as structural, functional, and spatial information, amino acid conservation, physicochemical variation, residue mobility, and thermodynamic stability) has been performed at Invitae for this missense variant, however the output from this modeling did not meet the statistical confidence thresholds required to predict the impact of this variant on RYR1 protein function. In summary, the available evidence is currently insufficient to determine the role of this variant in disease. Therefore, it has been classified as a Variant of Uncertain Significance.

Color Diagnostics, LLC DBA Color Health
Classification: Uncertain significance for Malignant hyperthermia, susceptibility to, 1. Last evaluated: 2023-11-29. Review status: criteria provided, single submitter. Criteria: ACMG Guidelines, 2015. Collection method: clinical testing. Allele origin: germline.
Comment: This missense variant replaces arginine with cysteine at codon 2398 of the RYR1 protein. Computational prediction suggests that this variant may have deleterious impact on protein structure and function. To our knowledge, functional studies have not been reported for this variant. This variant has not been reported in individuals affected with RYR1-related disorders in the literature. This variant has been identified in 7/268090 chromosomes in the general population by the Genome Aggregation Database (gnomAD). The available evidence is insufficient to determine the role of this variant in disease conclusively. Therefore, this variant is classified as a Variant of Uncertain Significance.

Revvity Omics, Revvity
Classification: Uncertain significance. Last evaluated: 2023-08-09. Review status: criteria provided, single submitter. Criteria: ACMG Guidelines, 2015. Collection method: clinical testing. Allele origin: germline.

Fulgent Genetics
Classification: Uncertain significance for Central core myopathy; Malignant hyperthermia, susceptibility to, 1; Congenital myopathy 4A, autosomal dominant; Congenital multicore myopathy with external ophthalmoplegia; King Denborough syndrome. Last evaluated: 2021-08-24. Review status: criteria provided, single submitter. Criteria: ACMG Guidelines, 2015. Collection method: clinical testing. Allele origin: unknown.

NM_000540.3(RYR1):c.7192C>T (p.Arg2398Cys)

Gene: RYR1 (ryanodine receptor 1; plus strand). Cytogenetic location: 19q13.2.
Variant type: single nucleotide variant.
Coding change: c.7192C>T on transcript NM_000540.3 (MANE Select); coding-DNA position 7192, C replaced by T.
Protein change: p.Arg2398Cys; replaces arginine 2398 with cysteine.
Molecular consequence: missense variant.
Genome position (GRCh38, 1-based): chr19:38,499,799, C>T. VCF-style: chr19-38499799-C-T. GRCh37 (hg19) VCF-style: chr19-38990439-C-T.
Other names: c.7192C>T, p.Arg2398Cys (NM_001042723.2); short protein forms R2398C.
Identifiers: ClinVar variation 478270 (VCV000478270.9), dbSNP rs751654689, ClinGen allele CA069218.